The following is an entry in ClinVar:

NM_006767.4(LZTR1):c.27G>A (p.Gly9=)

Genes: LZTR1 (leucine zipper like post translational regulator 1; plus strand), LOC130067016 (ATAC-STARR-seq lymphoblastoid silent region 13504; plus strand). Cytogenetic location: 22q11.21.
Variant type: single nucleotide variant.
Coding change: c.27G>A on transcript NM_006767.4 (MANE Select); coding-DNA position 27, G replaced by A.
Protein change: p.Gly9=; no amino-acid change (glycine 9 retained).
Molecular consequence: synonymous variant.
Genome position (GRCh38, 1-based): chr22:20,982,398, G>A. VCF-style: chr22-20982398-G-A. GRCh37 (hg19) VCF-style: chr22-21336687-G-A.
Identifiers: ClinVar variation 918118 (VCV000918118.12), dbSNP rs750714248, ClinGen allele CA10118271.

ClinVar aggregate classification (germline): Likely benign. Review status: criteria provided, multiple submitters, no conflicts (2 of 4 stars). 4 submissions from 4 submitters: Likely benign (4). Last evaluated 2026-01-13.

Conditions:
Cardiovascular phenotype. Identifiers: MedGen CN230736.
Hereditary cancer-predisposing syndrome. Also called: Tumor predisposition; Neoplastic Syndromes, Hereditary; Hereditary neoplastic syndrome; Hereditary Cancer Syndrome. Identifiers: Orphanet 140162, MedGen C0027672, MeSH D009386, MONDO:0015356.

Allele frequency attached by ClinVar (database versions not stated): TOPMed 0.00001; gnomAD exomes 0.00002 and 0.00003; ExAC 0.00006.
gnomAD v4.1: 34 of 1,561,064 alleles (0.0022%); highest among the groups gnomAD compares: South Asian, 0.03%; 1 homozygote.

Submissions (4):

Labcorp Genetics (formerly Invitae), Labcorp
Classification: Likely benign. Last evaluated: 2026-01-13. Review status: criteria provided, single submitter. Criteria: Invitae Variant Classification Sherloc (09022015). Collection method: clinical testing. Allele origin: germline.

Blueprint Genetics
Classification: Likely benign. Last evaluated: 2024-11-18. Review status: criteria provided, single submitter. Criteria: ACMG Guidelines, 2015. Collection method: clinical testing. Allele origin: germline.

Ambry Genetics
Classification: Likely benign for Cardiovascular phenotype; Hereditary cancer-predisposing syndrome. Last evaluated: 2020-09-16. Review status: criteria provided, single submitter. Criteria: Ambry Variant Classification Scheme 2023. Collection method: clinical testing. Allele origin: germline.

Women's Health and Genetics/Laboratory Corporation of America, LabCorp
Classification: Likely benign. Last evaluated: 2020-03-16. Review status: criteria provided, single submitter. Criteria: LabCorp Variant Classification Summary - May 2015. Collection method: clinical testing. Allele origin: germline.
Comment: Variant summary: LZTR1 c.27G>A alters a non-conserved nucleotide resulting in a synonymous change. 4/4 computational tools predict no significant impact on normal splicing. However, these predictions have yet to be confirmed by functional studies. The variant allele was found at a frequency of 3.1e-05 in 163806 control chromosomes (gnomAD). The available data on variant occurrences in the general population are insufficient to allow any conclusion about variant significance. To our knowledge, no occurrence of c.27G>A in individuals affected with Noonan Syndrome and Related Conditions and no experimental evidence demonstrating its impact on protein function have been reported. No clinical diagnostic laboratories have submitted clinical-significance assessments for this variant to ClinVar after 2014. Based on the evidence outlined above, the variant was classified as likely benign.